The following is an entry in ClinVar:

NM_007294.4(BRCA1):c.442-10T>C

Gene: BRCA1 (BRCA1 DNA repair associated; minus strand). Cytogenetic location: 17q21.31.
Variant type: single nucleotide variant.
Coding change: c.442-10T>C on transcript NM_007294.4 (MANE Select); 10 bases into the intron before coding-DNA position 442, T replaced by C.
Molecular consequence: intron variant.
Genome position (GRCh38, 1-based): chr17:43,099,890, A>G on the plus strand (T>C on the coding strand, the complement: BRCA1 is on the minus strand). VCF-style: chr17-43099890-A-G. GRCh37 (hg19) VCF-style: chr17-41251907-A-G.
Other names: c.301-10T>C (NM_001408458.1, NM_001407922.1, NM_001408469.1 and 61 more transcripts); c.-218-5030T>C (NM_001407967.1, NM_001407966.1); c.61-10T>C (NM_001407959.1, NM_001408512.1, NM_001408510.1 and 3 more transcripts); c.301-13T>C (NM_001407931.1, NM_001407747.1, NM_001408470.1 and 35 more transcripts); c.61-13T>C (NM_001407962.1); c.232-10T>C (NM_001407885.1, NM_001407886.1, NM_001407881.1 and 37 more transcripts); c.442-13T>C (NM_001407686.1, NM_001408397.1, NM_001407632.1 and 65 more transcripts); c.442-10T>C (NM_001408436.1, NM_001407665.1, NM_001407980.1 and 96 more transcripts); and 5 more.
Identifiers: ClinVar variation 462650 (VCV000462650.13), dbSNP rs200991398, ClinGen allele CA290814409.
Genomic context (GRCh38, chr17:43,099,890, plus strand): 5'-AGTTCTCACAGTTCCAAGGTTAGAGAGTTGGACACTGAGACTGGTTTCCTGCTAAACAGT[A>G]TGGTAAAGAACAGTCAAGCAATTGTTGGCCAGTTCTGTGCTTTTCCTCCTGAAGAGAAAC-3'

ClinVar aggregate classification (germline): Benign/Likely benign. Review status: criteria provided, multiple submitters, no conflicts (2 of 4 stars). 2 submissions from 2 submitters: Benign (1); Likely benign (1). Last evaluated 2025-11-28.

Conditions:
Hereditary breast ovarian cancer syndrome. Also called: Hereditary breast and ovarian cancer syndrome (HBOC); BRCA1- and BRCA2-Associated Hereditary Breast and Ovarian Cancer; Hereditary breast and/or ovarian cancer syndrome; Hereditary breast and ovarian cancer syndrome; Hereditary breast and ovarian cancer; Breast and ovarian cancer. Identifiers: Orphanet 145, MedGen C0677776, MeSH D061325, MONDO:0003582. Disease mechanism: loss of function.
Breast-ovarian cancer, familial, susceptibility to, 1 (BROVCA1). Also called: BRCA1 Hereditary Breast and Ovarian Cancer; OVARIAN CANCER, SUSCEPTIBILITY TO. Identifiers: Orphanet 145, MedGen C2676676, MONDO:0011450, OMIM 604370. Disease mechanism: loss of function.

Allele frequency attached by ClinVar (database versions not stated): gnomAD 0.00001; TOPMed 0.00001; 1000 Genomes Project 30x 0.00016; 1000 Genomes Project 0.00020.

Submissions (2):

Labcorp Genetics (formerly Invitae), Labcorp
Classification: Likely benign for Hereditary breast ovarian cancer syndrome. Last evaluated: 2025-11-28. Review status: criteria provided, single submitter. Criteria: Invitae Variant Classification Sherloc (09022015). Collection method: clinical testing. Allele origin: germline.

Myriad Genetics, Inc.
Classification: Benign for Breast-ovarian cancer, familial, susceptibility to, 1. Last evaluated: 2025-11-26. Review status: criteria provided, single submitter. Criteria: Myriad Autosomal Dominant, Autosomal Recessive and X-Linked Classification Criteria (2023). Collection method: clinical testing. Allele origin: unknown.
Comment: This variant is considered benign. This variant is intronic and is not expected to impact mRNA splicing. This variant is strongly associated with less severe personal and family histories of cancer, typical for individuals without pathogenic variants in this gene [PMID: 25085752].

Literature cited by the submitters: PubMed 25085752 (cited by Myriad Genetics, Inc.).